The following is an entry in ClinVar:

NM_005609.4(PYGM):c.1436A>G (p.Lys479Arg)

Gene: PYGM (glycogen phosphorylase, muscle associated; minus strand). Cytogenetic location: 11q13.1.
Variant type: single nucleotide variant.
Coding change: c.1436A>G on transcript NM_005609.4 (MANE Select); coding-DNA position 1436, A replaced by G.
Protein change: p.Lys479Arg; replaces lysine 479 with arginine.
Molecular consequence: missense variant.
Genome position (GRCh38, 1-based): chr11:64,753,155, T>C on the plus strand (A>G on the coding strand, the complement: PYGM is on the minus strand). VCF-style: chr11-64753155-T-C. GRCh37 (hg19) VCF-style: chr11-64520627-T-C.
Other names: p.Lys479Arg; c.1172A>G, p.Lys391Arg (NM_001164716.1); short protein forms K479R, K391R.
Identifiers: ClinVar variation 570557 (VCV000570557.15), dbSNP rs750032282, ClinGen allele CA6079856.

ClinVar aggregate classification (germline): Uncertain significance. Review status: criteria provided, multiple submitters, no conflicts (2 of 4 stars). 7 submissions from 7 submitters: Uncertain significance (6). 1 of the submissions does not count toward it. Last evaluated 2026-02-11.

Conditions:
Glycogen storage disease, type V (GSD5). Also called: McArdle type glycogen storage disease; MCARDLE DISEASE; MUSCLE GLYCOGEN PHOSPHORYLASE DEFICIENCY; MYOPHOSPHORYLASE DEFICIENCY; PYGM DEFICIENCY. Identifiers: Orphanet 368, MedGen C0017924, MONDO:0009293, OMIM 232600.
Inborn genetic diseases. Identifiers: MedGen C0950123, MeSH D030342.

Allele frequency attached by ClinVar (database versions not stated): TOPMed 0.00005; ExAC 0.00006; gnomAD 0.00006; gnomAD exomes 0.00006 and 0.00012.

Submissions (7):

GeneDx
Classification: Uncertain significance. Last evaluated: 2026-02-11. Review status: criteria provided, single submitter. Criteria: GeneDx Variant Classification Process June 2021. Collection method: clinical testing. Allele origin: germline. Affected: yes.
Comment: Not observed at significant frequency in large population cohorts (gnomAD); In silico analysis suggests that this missense variant does not alter protein structure/function; Has not been previously published as pathogenic or benign to our knowledge

Revvity Omics, Revvity
Classification: Uncertain significance for Glycogen storage disease, type V. Last evaluated: 2024-05-22. Review status: criteria provided, single submitter. Criteria: ACMG Guidelines, 2015. Collection method: clinical testing. Allele origin: germline.

Mayo Clinic Laboratories, Mayo Clinic
Classification: Uncertain significance. Last evaluated: 2024-03-22. Review status: criteria provided, single submitter. Criteria: ACMG Guidelines, 2015. Collection method: clinical testing. Allele origin: germline. Observed: 1 variant allele.
Comment: PP3, PM2

Ambry Genetics
Classification: Uncertain significance for Inborn genetic diseases. Last evaluated: 2023-03-14. Review status: criteria provided, single submitter. Criteria: Ambry Variant Classification Scheme 2023. Collection method: clinical testing. Allele origin: germline.

Labcorp Genetics (formerly Invitae), Labcorp
Classification: Uncertain significance for Glycogen storage disease, type V. Last evaluated: 2022-08-15. Review status: criteria provided, single submitter. Criteria: Invitae Variant Classification Sherloc (09022015). Collection method: clinical testing. Allele origin: germline.
Comment: This sequence change replaces lysine, which is basic and polar, with arginine, which is basic and polar, at codon 479 of the PYGM protein (p.Lys479Arg). This variant is present in population databases (rs750032282, gnomAD 0.02%). This variant has not been reported in the literature in individuals affected with PYGM-related conditions. ClinVar contains an entry for this variant (Variation ID: 570557). Algorithms developed to predict the effect of missense changes on protein structure and function are either unavailable or do not agree on the potential impact of this missense change (SIFT: "Not Available"; PolyPhen-2: "Probably Damaging"; Align-GVGD: "Not Available"). In summary, the available evidence is currently insufficient to determine the role of this variant in disease. Therefore, it has been classified as a Variant of Uncertain Significance.

Fulgent Genetics
Classification: Uncertain significance for Glycogen storage disease, type V. Last evaluated: 2018-10-31. Review status: criteria provided, single submitter. Criteria: ACMG Guidelines, 2015. Collection method: clinical testing. Allele origin: unknown.

Natera, Inc.
Classification: Uncertain significance for Glycogen storage disease V. Last evaluated: 2020-01-24. Review status: no assertion criteria provided. Collection method: clinical testing. Allele origin: germline. Not counted in ClinVar's aggregate classification.